The following is an entry in ClinVar:

ClinVar aggregate classification (germline): Uncertain significance (1 of 4 stars; one submission).

Submission:

Ambry Genetics
Classification: Uncertain significance. Last evaluated: 2025-05-03. Review status: criteria provided, single submitter. Criteria: Ambry Variant Classification Scheme 2023. Collection method: clinical testing. Allele origin: germline.
Comment: The p.D126G variant (also known as c.377A>G), located in coding exon 4 of the SRP72 gene, results from an A to G substitution at nucleotide position 377. The aspartic acid at codon 126 is replaced by glycine, an amino acid with similar properties. This amino acid position is conserved. In addition, this alteration is predicted to be tolerated by in silico analysis. Based on the available evidence, the clinical significance of this variant remains unclear.

NM_006947.4(SRP72):c.377A>G (p.Asp126Gly)

Gene: SRP72 (signal recognition particle 72; plus strand). Cytogenetic location: 4q12.
Variant type: single nucleotide variant.
Coding change: c.377A>G on transcript NM_006947.4 (MANE Select); coding-DNA position 377, A replaced by G.
Protein change: p.Asp126Gly; replaces aspartic acid 126 with glycine.
Molecular consequence: missense variant. On other transcripts: non-coding transcript variant (1).
Genome position (GRCh38, 1-based): chr4:56,474,076, A>G. VCF-style: chr4-56474076-A-G. GRCh37 (hg19) VCF-style: chr4-57340242-A-G.
Other names: c.377A>G, p.Asp126Gly (NM_001267722.2); short protein forms D126G.
Identifiers: ClinVar variation 3962095 (VCV003962095.1).